The following is an entry in ClinVar:

ClinVar aggregate classification (germline): Uncertain significance (1 of 4 stars; one submission).

Conditions:
Osteogenesis imperfecta type I (OI1). Also called: OI, TYPE I; OSTEOGENESIS IMPERFECTA TARDA; OSTEOGENESIS IMPERFECTA WITH BLUE SCLERAE; Osteogenesis imperfecta type 1; Lobstein's Disease; Lobstein disease. Identifiers: Orphanet 216796, Orphanet 666, MedGen C0023931, MONDO:0008146, OMIM 166200. Disease mechanism: loss of function.

Submission:

Labcorp Genetics (formerly Invitae), Labcorp
Classification: Uncertain significance for Osteogenesis imperfecta type I. Last evaluated: 2024-10-27. Review status: criteria provided, single submitter. Criteria: Invitae Variant Classification Sherloc (09022015). Collection method: clinical testing. Allele origin: germline.
Comment: This sequence change falls in intron 3 of the COL1A1 gene. It does not directly change the encoded amino acid sequence of the COL1A1 protein. It affects a nucleotide within the consensus splice site. This variant is not present in population databases (gnomAD no frequency). This variant has been observed in individual(s) with osteogenesis imperfecta type I (PMID: 25963598; internal data). Variants that disrupt the consensus splice site are a relatively common cause of aberrant splicing (PMID: 17576681, 9536098). Algorithms developed to predict the effect of sequence changes on RNA splicing suggest that this variant may disrupt the consensus splice site. In summary, the available evidence is currently insufficient to determine the role of this variant in disease. Therefore, it has been classified as a Variant of Uncertain Significance.

Literature cited by the submitters: PubMed 25963598; PubMed 17576681; PubMed 9536098.

NM_000088.4(COL1A1):c.333+3A>T

Gene: COL1A1 (collagen type I alpha 1 chain; minus strand). Cytogenetic location: 17q21.33.
Variant type: single nucleotide variant.
Coding change: c.333+3A>T on transcript NM_000088.4 (MANE Select); 3 bases into the intron after coding-DNA position 333, A replaced by T.
Molecular consequence: intron variant.
Genome position (GRCh38, 1-based): chr17:50,199,553, T>A on the plus strand (A>T on the coding strand, the complement: COL1A1 is on the minus strand). VCF-style: chr17-50199553-T-A. GRCh37 (hg19) VCF-style: chr17-48276914-T-A.
Identifiers: ClinVar variation 3722892 (VCV003722892.2).